The following is an entry in ClinVar:

NM_006612.6(KIF1C):c.61A>C (p.Ser21Arg)

Gene: KIF1C (kinesin family member 1C; plus strand). Cytogenetic location: 17p13.2.
Variant type: single nucleotide variant.
Coding change: c.61A>C on transcript NM_006612.6 (MANE Select); coding-DNA position 61, A replaced by C.
Protein change: p.Ser21Arg; replaces serine 21 with arginine.
Molecular consequence: missense variant.
Genome position (GRCh38, 1-based): chr17:5,000,307, A>C. VCF-style: chr17-5000307-A-C. GRCh37 (hg19) VCF-style: chr17-4903602-A-C.
Other names: short protein forms S21R.
Identifiers: ClinVar variation 4708614 (VCV004708614.1).
Genomic context (GRCh38, chr17:5,000,307, plus strand): 5'-ATGGCTGGTGCCTCGGTGAAAGTGGCAGTGAGGGTTCGGCCCTTTAACGCCCGTGAGACC[A>C]GCCAGGATGCCAAGTGTGTGGTCAGCATGCAGGGCAACACCACCTGTGAGTGAGTCCCCG-3'
Protein context (NP_006603.2, residues 11-31): RVRPFNARET[Ser21Arg]QDAKCVVSMQ

ClinVar aggregate classification (germline): Uncertain significance (1 of 4 stars; one submission).

Conditions:
Spastic ataxia 2. Also called: Ataxia, spastic, 2, autosomal recessive. Identifiers: Orphanet 397946, MedGen C1969796, MONDO:0012651, OMIM 611302.

gnomAD v4.1: 5 of 1,594,580 alleles (0.00031%); highest among the groups gnomAD compares: Non-Finnish European, 0.00043%; no homozygotes.

Submission:

Labcorp Genetics (formerly Invitae), Labcorp
Classification: Uncertain significance for Spastic ataxia 2. Last evaluated: 2025-11-13. Review status: criteria provided, single submitter. Criteria: Invitae Variant Classification Sherloc (09022015). Collection method: clinical testing. Allele origin: germline.
Comment: This sequence change replaces serine, which is neutral and polar, with arginine, which is basic and polar, at codon 21 of the KIF1C protein (p.Ser21Arg). This variant is not present in population databases (gnomAD no frequency). This variant has not been reported in the literature in individuals affected with KIF1C-related conditions. Invitae Evidence Modeling of protein sequence and biophysical properties (such as structural, functional, and spatial information, amino acid conservation, physicochemical variation, residue mobility, and thermodynamic stability) indicates that this missense variant is not expected to disrupt KIF1C protein function with a negative predictive value of 80%. In summary, the available evidence is currently insufficient to determine the role of this variant in disease. Therefore, it has been classified as a Variant of Uncertain Significance.